The following is an entry in ClinVar:

ClinVar aggregate classification (germline): Pathogenic/Likely pathogenic. Review status: criteria provided, multiple submitters, no conflicts (2 of 4 stars). 2 submissions from 2 submitters: Pathogenic (1); Likely pathogenic (1). Last evaluated 2023-03-01.

Conditions:
Infantile epileptic dyskinetic encephalopathy. Identifiers: Orphanet 364063, MedGen C4552072, MONDO:0018226.
Inosine triphosphatase deficiency. Also called: INOSINE TRIPHOSPHATE PYROPHOSPHOHYDROLASE DEFICIENCY. Identifiers: MedGen C0342800, MONDO:0013461, OMIM 613850.

Submissions (2):

Women's Health and Genetics/Laboratory Corporation of America, LabCorp
Classification: Likely pathogenic for Infantile epileptic dyskinetic encephalopathy. Last evaluated: 2023-03-01. Review status: criteria provided, single submitter. Criteria: LabCorp Variant Classification Summary - May 2015. Collection method: clinical testing. Allele origin: germline.
Comment: Variant summary: ITPA c.270G>A (p.Trp90X) results in a premature termination codon, predicted to cause a truncation of the encoded protein or absence of the protein due to nonsense mediated decay, which are commonly known mechanisms for disease. Truncations downstream of this position are reported in affected individual (HGMD). The variant was absent in 251452 control chromosomes (gnomAD). To our knowledge, no occurrence of c.270G>A in individuals affected with Early Infantile Epileptic Encephalopathy, 35 and no experimental evidence demonstrating its impact on protein function have been reported. One submitter has provided a clinical-significance assessment for this variant to ClinVar after 2014, and classified the variant as pathogenic. Based on the evidence outlined above, the variant was classified as likely pathogenic.

Labcorp Genetics (formerly Invitae), Labcorp
Classification: Pathogenic for Inosine triphosphatase deficiency. Last evaluated: 2022-10-05. Review status: criteria provided, single submitter. Criteria: Invitae Variant Classification Sherloc (09022015). Collection method: clinical testing. Allele origin: germline.
Comment: This variant has not been reported in the literature in individuals affected with ITPA-related conditions. This variant is not present in population databases (gnomAD no frequency). This sequence change creates a premature translational stop signal (p.Trp90*) in the ITPA gene. It is expected to result in an absent or disrupted protein product. Loss-of-function variants in ITPA are known to be pathogenic (PMID: 26224535). For these reasons, this variant has been classified as Pathogenic. ClinVar contains an entry for this variant (Variation ID: 1359934).

Literature cited by the submitters: PubMed 26224535 (cited by Labcorp Genetics (formerly Invitae), Labcorp).

NM_033453.4(ITPA):c.270G>A (p.Trp90Ter)

Gene: ITPA (inosine triphosphatase; plus strand). Cytogenetic location: 20p13.
Variant type: single nucleotide variant.
Coding change: c.270G>A on transcript NM_033453.4 (MANE Select); coding-DNA position 270, G replaced by A.
Protein change: p.Trp90Ter; replaces tryptophan 90 with a stop codon.
Molecular consequence: nonsense. On other transcripts: 5 prime UTR variant (4), non-coding transcript variant (2).
Genome position (GRCh38, 1-based): chr20:3,215,287, G>A. VCF-style: chr20-3215287-G-A. GRCh37 (hg19) VCF-style: chr20-3195933-G-A.
Other names: c.147G>A, p.Trp49Ter (NM_001267623.2); c.-68G>A (NM_001324236.2, NM_001324237.2, NM_001324238.2 and 1 more transcripts); c.270G>A, p.Trp90Ter (NM_001324240.2); c.219G>A, p.Trp73Ter (NM_181493.4); c.270G>A (NM_033453.3); short protein forms W90*, W73*, W49*.
Identifiers: ClinVar variation 1359934 (VCV001359934.6), dbSNP rs2122346498, ClinGen allele CA408078753.